The following is an entry in ClinVar:

NM_014956.5(CEP164):c.2361+1G>A

Gene: CEP164 (centrosomal protein 164; plus strand). Cytogenetic location: 11q23.3.
Variant type: single nucleotide variant.
Coding change: c.2361+1G>A on transcript NM_014956.5 (MANE Select); the canonical splice donor site of the intron after coding-DNA position 2361, G replaced by A.
Molecular consequence: splice donor variant.
Genome position (GRCh38, 1-based): chr11:117,392,304, G>A. VCF-style: chr11-117392304-G-A. GRCh37 (hg19) VCF-style: chr11-117263020-G-A.
Other names: c.2370+1G>A (NM_001271933.2).
Identifiers: ClinVar variation 2027543 (VCV002027543.6), dbSNP rs2044759367, ClinGen allele CA382725437.

ClinVar aggregate classification (germline): Likely pathogenic. Review status: criteria provided, multiple submitters, no conflicts (2 of 4 stars). 2 submissions from 2 submitters: Likely pathogenic (2). Last evaluated 2024-10-22.

Conditions:
Nephronophthisis 15 (NPHP15). Identifiers: Orphanet 3156, MedGen C3541853, MONDO:0013917, OMIM 614845.
CEP164-related disorder. Also called: CEP164-related condition.

Submissions (3):

Labcorp Genetics (formerly Invitae), Labcorp
Classification: Likely pathogenic for Nephronophthisis 15. Last evaluated: 2024-10-22. Review status: criteria provided, single submitter. Criteria: Invitae Variant Classification Sherloc (09022015). Collection method: clinical testing. Allele origin: germline.
Comment: This sequence change affects a donor splice site in intron 18 of the CEP164 gene. It is expected to disrupt RNA splicing. Variants that disrupt the donor or acceptor splice site typically lead to a loss of protein function (PMID: 16199547), and loss-of-function variants in CEP164 are known to be pathogenic (PMID: 22863007, 28125082, 32367404, 34132027, 34499853). This variant is not present in population databases (gnomAD no frequency). This variant has not been reported in the literature in individuals affected with CEP164-related conditions. ClinVar contains an entry for this variant (Variation ID: 2027543). Algorithms developed to predict the effect of sequence changes on RNA splicing suggest that this variant may disrupt the consensus splice site. In summary, the currently available evidence indicates that the variant is pathogenic, but additional data are needed to prove that conclusively. Therefore, this variant has been classified as Likely Pathogenic.

Blueprint Genetics
Classification: Likely pathogenic for CEP164-related disorders. Last evaluated: 2019-01-29. Review status: criteria provided, single submitter. Criteria: ACMG Guidelines, 2015. Collection method: clinical testing. Allele origin: germline. Affected: yes. Observed: 1 variant allele.

Dr. Peter K. Rogan Lab, Western University
No classification provided (evidence only). Condition: Squamous cell lung carcinoma. Review status: no classification provided. Collection method: in vitro. Allele origin: not applicable. Functional consequence: retained intron. Not counted in ClinVar's aggregate classification.

Literature cited by the submitters: PubMed 16199547 (cited by Labcorp Genetics (formerly Invitae), Labcorp); PubMed 22863007 (cited by Labcorp Genetics (formerly Invitae), Labcorp); PubMed 28125082 (cited by Labcorp Genetics (formerly Invitae), Labcorp); PubMed 32367404 (cited by Labcorp Genetics (formerly Invitae), Labcorp); PubMed 34132027 (cited by Labcorp Genetics (formerly Invitae), Labcorp); PubMed 34499853 (cited by Labcorp Genetics (formerly Invitae), Labcorp).